The following is an entry in ClinVar:

ClinVar aggregate classification (germline): Likely benign (1 of 4 stars; one submission).

Conditions:
Fabry disease. Also called: ALPHA-GALACTOSIDASE A DEFICIENCY; ANDERSON-FABRY DISEASE; CERAMIDE TRIHEXOSIDASE DEFICIENCY; GLA DEFICIENCY; HEREDITARY DYSTOPIC LIPIDOSIS; Angiokeratoma corporis diffusum. Identifiers: Orphanet 324, MedGen C0002986, MONDO:0010526, OMIM 301500, HP:0001071. Disease mechanism: Fabry disease is due to inactivating mutations in the X-linked GLA gene resulting in deficiency of the enzyme Alpha Galactosidase-A., loss of function.

Submission:

Genomenon, Inc
Classification: Likely benign for Fabry disease. Last evaluated: 2026-09-08. Review status: criteria provided, single submitter. Criteria: Genomenon Sequence Variant Interpretation Standards - Updated. Collection method: curation. Allele origin: germline. Affected: no.
Comment: GLA c.370-77del is a deletion variant located in intron 2. This variant has been reported in the published literature (PMID:29227985). It is absent or not present at a significant frequency in gnomAD. This variant is not predicted to impact splicing. In conclusion, we classify GLA c.370-77del as a likely benign variant.

Literature cited by the submitters: PubMed 29227985.

NM_000169.3(GLA):c.370-77del

Genes: GLA (galactosidase alpha; minus strand), RPL36A-HNRNPH2 (RPL36A-HNRNPH2 readthrough; plus strand). Cytogenetic location: Xq22.1.
Variant type: Deletion.
Coding change: c.370-77del on transcript NM_000169.3 (MANE Select); 77 bases into the intron before coding-DNA position 370, one base deleted (C; older notation c.370-77delC).
Molecular consequence: intron variant.
Genome position (GRCh38, 1-based): chrX:101,401,886, G deleted on the plus strand (C on the coding strand, the reverse complement: GLA is on the minus strand); the first of 2 consecutive G bases (chrX:101,401,886-101,401,887); deleting either gives the same sequence. VCF-style (leftmost placement, unchanged base first): chrX-101401885-AG-A. GRCh37 (hg19) VCF-style: chrX-100656873-AG-A.
Other names: c.300+6430del (NM_001199973.2); c.178-10049del (NM_001199974.2); c.493-77del (NM_001406747.1, NM_001406749.1); c.370-77del (NM_001406748.1).
Identifiers: ClinVar variation 4087104 (VCV004087104.2).